The following is an entry in ClinVar:

ClinVar aggregate classification (germline): Uncertain significance (1 of 4 stars; one submission).

Conditions:
Inborn genetic diseases. Identifiers: MedGen C0950123, MeSH D030342.

Submission:

Ambry Genetics
Classification: Uncertain significance for Inborn genetic diseases. Last evaluated: 2024-05-16. Review status: criteria provided, single submitter. Criteria: Ambry Variant Classification Scheme 2023. Collection method: clinical testing. Allele origin: germline.
Comment: The p.S424R variant (also known as c.1272C>A), located in coding exon 10 of the ACD gene, results from a C to A substitution at nucleotide position 1272. The serine at codon 424 is replaced by arginine, an amino acid with dissimilar properties. This amino acid position is conserved. In addition, this alteration is predicted to be tolerated by in silico analysis. Based on the available evidence, the clinical significance of this variant remains unclear.

NM_001082486.2(ACD):c.1014C>A (p.Ser338Arg)

Gene: ACD (ACD shelterin complex subunit and telomerase recruitment factor; minus strand). Cytogenetic location: 16q22.1.
Variant type: single nucleotide variant.
Coding change: c.1014C>A on transcript NM_001082486.2 (MANE Select); coding-DNA position 1014, C replaced by A.
Protein change: p.Ser338Arg; replaces serine 338 with arginine.
Molecular consequence: missense variant.
Genome position (GRCh38, 1-based): chr16:67,658,178, G>T on the plus strand (C>A on the coding strand, the complement: ACD is on the minus strand). VCF-style: chr16-67658178-G-T. GRCh37 (hg19) VCF-style: chr16-67692081-G-T.
Other names: c.927C>A, p.Ser309Arg (NM_001410884.1); c.1005C>A, p.Ser335Arg (NM_022914.3); short protein forms S309R, S338R, S335R.
Identifiers: ClinVar variation 3261536 (VCV003261536.1).